The following is an entry in ClinVar:

ClinVar aggregate classification (germline): Uncertain significance (1 of 4 stars; one submission).

gnomAD v4.1: 2 of 1,367,576 alleles (0.00015%); highest among the groups gnomAD compares: Non-Finnish European, 0.0002%; no homozygotes.

Submission:

Labcorp Genetics (formerly Invitae), Labcorp
Classification: Uncertain significance. Last evaluated: 2024-08-12. Review status: criteria provided, single submitter. Criteria: Invitae Variant Classification Sherloc (09022015). Collection method: clinical testing. Allele origin: germline.
Comment: This sequence change replaces proline, which is neutral and non-polar, with alanine, which is neutral and non-polar, at codon 322 of the COL11A2 protein (p.Pro322Ala). This variant is present in population databases (no rsID available, gnomAD 0.0009%). This variant has not been reported in the literature in individuals affected with COL11A2-related conditions. Advanced modeling of protein sequence and biophysical properties (such as structural, functional, and spatial information, amino acid conservation, physicochemical variation, residue mobility, and thermodynamic stability) performed at Invitae indicates that this missense variant is not expected to disrupt COL11A2 protein function with a negative predictive value of 95%. In summary, the available evidence is currently insufficient to determine the role of this variant in disease. Therefore, it has been classified as a Variant of Uncertain Significance.

NM_080680.3(COL11A2):c.964C>G (p.Pro322Ala)

Gene: COL11A2 (collagen type XI alpha 2 chain; minus strand). Cytogenetic location: 6p21.32.
Variant type: single nucleotide variant.
Coding change: c.964C>G on transcript NM_080680.3 (MANE Select); coding-DNA position 964, C replaced by G.
Protein change: p.Pro322Ala; replaces proline 322 with alanine.
Molecular consequence: missense variant. On other transcripts: intron variant (5).
Genome position (GRCh38, 1-based): chr6:33,184,300, G>C on the plus strand (C>G on the coding strand, the complement: COL11A2 is on the minus strand). VCF-style: chr6-33184300-G-C. GRCh37 (hg19) VCF-style: chr6-33152077-G-C.
Other names: c.798+2327C>G (NM_080679.3); c.861+692C>G (NM_080681.3); c.939+692C>G (NM_001424108.1); c.93+692C>G (NM_001424110.1, NM_001424111.1); c.118C>G, p.Pro40Ala (NM_001424109.1); short protein forms P322A, P40A.
Identifiers: ClinVar variation 3672359 (VCV003672359.2).